The following is an entry in ClinVar:

NM_177438.3(DICER1):c.1856A>G (p.Asp619Gly)

Gene: DICER1 (dicer 1, ribonuclease III; minus strand). Cytogenetic location: 14q32.13.
Variant type: single nucleotide variant.
Coding change: c.1856A>G on transcript NM_177438.3 (MANE Select); coding-DNA position 1856, A replaced by G.
Protein change: p.Asp619Gly; replaces aspartic acid 619 with glycine.
Molecular consequence: missense variant.
Genome position (GRCh38, 1-based): chr14:95,115,718, T>C on the plus strand (A>G on the coding strand, the complement: DICER1 is on the minus strand). VCF-style: chr14-95115718-T-C. GRCh37 (hg19) VCF-style: chr14-95582055-T-C.
Other names: c.1856A>G, p.Asp619Gly (NM_001195573.1, NM_001271282.3, NM_001291628.2 and 1 more transcripts); short protein forms D619G.
Identifiers: ClinVar variation 863231 (VCV000863231.10), dbSNP rs1426451842, ClinGen allele CA390883982.

ClinVar aggregate classification (germline): Uncertain significance. Review status: criteria provided, multiple submitters, no conflicts (2 of 4 stars). 2 submissions from 2 submitters: Uncertain significance (2). Last evaluated 2023-06-10.

Conditions:
Hereditary cancer-predisposing syndrome. Also called: Tumor predisposition; Hereditary Cancer Syndrome; Neoplastic Syndromes, Hereditary; Hereditary neoplastic syndrome. Identifiers: Orphanet 140162, MedGen C0027672, MeSH D009386, MONDO:0015356.
DICER1-related tumor predisposition. Also called: DICER1-related pleuropulmonary blastoma cancer predisposition syndrome; DICER1 syndrome. Identifiers: Orphanet 284343, MedGen C3839822, MONDO:0100216.

Allele frequency attached by ClinVar (database versions not stated): TOPMed below 0.00001.

Submissions (2):

Ambry Genetics
Classification: Uncertain significance for Hereditary cancer-predisposing syndrome. Last evaluated: 2023-06-10. Review status: criteria provided, single submitter. Criteria: Ambry Variant Classification Scheme 2023. Collection method: clinical testing. Allele origin: germline.
Comment: The p.D619G variant (also known as c.1856A>G), located in coding exon 10 of the DICER1 gene, results from an A to G substitution at nucleotide position 1856. The aspartic acid at codon 619 is replaced by glycine, an amino acid with similar properties. This amino acid position is conserved. In addition, this alteration is predicted to be tolerated by in silico analysis. Since supporting evidence is limited at this time, the clinical significance of this alteration remains unclear.

Labcorp Genetics (formerly Invitae), Labcorp
Classification: Uncertain significance for DICER1-related tumor predisposition. Last evaluated: 2023-05-23. Review status: criteria provided, single submitter. Criteria: Invitae Variant Classification Sherloc (09022015). Collection method: clinical testing. Allele origin: germline.
Comment: Advanced modeling of protein sequence and biophysical properties (such as structural, functional, and spatial information, amino acid conservation, physicochemical variation, residue mobility, and thermodynamic stability) performed at Invitae indicates that this missense variant is not expected to disrupt DICER1 protein function. In summary, the available evidence is currently insufficient to determine the role of this variant in disease. Therefore, it has been classified as a Variant of Uncertain Significance. ClinVar contains an entry for this variant (Variation ID: 863231). This variant has not been reported in the literature in individuals affected with DICER1-related conditions. This variant is not present in population databases (gnomAD no frequency). This sequence change replaces aspartic acid, which is acidic and polar, with glycine, which is neutral and non-polar, at codon 619 of the DICER1 protein (p.Asp619Gly).